The following is an entry in ClinVar:

NM_020975.6(RET):c.784G>A (p.Val262Met)

Gene: RET (ret proto-oncogene; plus strand). Cytogenetic location: 10q11.21.
Variant type: single nucleotide variant.
Coding change: c.784G>A on transcript NM_020975.6 (MANE Select); coding-DNA position 784, G replaced by A.
Protein change: p.Val262Met; replaces valine 262 with methionine.
Molecular consequence: missense variant.
Genome position (GRCh38, 1-based): chr10:43,105,110, G>A. VCF-style: chr10-43105110-G-A. GRCh37 (hg19) VCF-style: chr10-43600558-G-A.
Other names: c.784G>A, p.Val262Met (NM_000323.2, NM_001406743.1, NM_001406744.1 and 8 more transcripts); c.22G>A, p.Val8Met (NM_001355216.2); c.655G>A, p.Val219Met (NM_001406761.1, NM_001406762.1, NM_001406764.1 and 2 more transcripts); c.496G>A, p.Val166Met (NM_001406766.1, NM_001406767.1, NM_001406770.1); short protein forms V8M, V166M, V262M, V219M.
Identifiers: ClinVar variation 1760886 (VCV001760886.2), dbSNP rs775772444, ClinGen allele CA044901.
Genomic context (GRCh38, chr10:43,105,110, plus strand): 5'-GTGTGCACCGTGCACGCCGGCGCGCGCGAGGAGGTGGTGATGGTGCCCTTCCCGGTGACC[G>A]TGTACGACGAGGACGACTCGGCGCCCACCTTCCCCGCGGGCGTCGACACCGCCAGCGCCG-3'
Protein context (NP_066124.1, residues 252-272): EVVMVPFPVT[Val262Met]YDEDDSAPTF

ClinVar aggregate classification (germline): Uncertain significance (1 of 4 stars; one submission).

Conditions:
Hereditary cancer-predisposing syndrome. Also called: Neoplastic Syndromes, Hereditary; Tumor predisposition; Hereditary Cancer Syndrome; Hereditary neoplastic syndrome. Identifiers: Orphanet 140162, MedGen C0027672, MeSH D009386, MONDO:0015356.

Allele frequency attached by ClinVar (database versions not stated): gnomAD exomes below 0.00001; ExAC 0.00001.
gnomAD v4.1: 3 of 1,612,334 alleles (0.00019%); highest among the groups gnomAD compares: Non-Finnish European, 0.00025%; no homozygotes.

Submission:

Ambry Genetics
Classification: Uncertain significance for Hereditary cancer-predisposing syndrome. Last evaluated: 2022-02-04. Review status: criteria provided, single submitter. Criteria: Ambry Variant Classification Scheme 2023. Collection method: clinical testing. Allele origin: germline.
Comment: The p.V262M variant (also known as c.784G>A), located in coding exon 4 of the RET gene, results from a G to A substitution at nucleotide position 784. The valine at codon 262 is replaced by methionine, an amino acid with highly similar properties. This alteration was identified in 1/1358 non-cancer control individuals and in 0/57 cases, in a study looking at cancer predisposition mutations in patients with cutaneous melanoma and a history of at least two additional non-cutaneous melanoma primary cancers (Pritchard AL et al. PLoS One. 2018 Apr;13:e0194098). This amino acid position is highly conserved in available vertebrate species. In addition, the in silico prediction for this alteration is inconclusive. Since supporting evidence is limited at this time, the clinical significance of this alteration remains unclear.

Literature cited by the submitters: PubMed 29641532.